The following is an entry in ClinVar:

NM_002354.3(EPCAM):c.786G>T (p.Gln262His)

Gene: EPCAM (epithelial cell adhesion molecule; plus strand). Cytogenetic location: 2p21.
Variant type: single nucleotide variant.
Coding change: c.786G>T on transcript NM_002354.3 (MANE Select); coding-DNA position 786, G replaced by T.
Protein change: p.Gln262His; replaces glutamine 262 with histidine.
Molecular consequence: missense variant.
Genome position (GRCh38, 1-based): chr2:47,379,897, G>T. VCF-style: chr2-47379897-G-T. GRCh37 (hg19) VCF-style: chr2-47607036-G-T.
Other names: short protein forms Q262H.
Identifiers: ClinVar variation 4843273 (VCV004843273.1).

ClinVar aggregate classification (germline): Uncertain significance (1 of 4 stars; one submission).

Conditions:
Hereditary cancer-predisposing syndrome. Also called: Neoplastic Syndromes, Hereditary; Tumor predisposition; Hereditary Cancer Syndrome; Hereditary neoplastic syndrome. Identifiers: Orphanet 140162, MedGen C0027672, MeSH D009386, MONDO:0015356.

Submission:

Ambry Genetics
Classification: Uncertain significance for Hereditary cancer-predisposing syndrome. Last evaluated: 2025-12-21. Review status: criteria provided, single submitter. Criteria: Ambry Variant Classification Scheme 2023. Collection method: clinical testing. Allele origin: germline.
Comment: The p.Q262H variant (also known as c.786G>T), located in coding exon 7 of the EPCAM gene, results from a G to T substitution at nucleotide position 786. The glutamine at codon 262 is replaced by histidine, an amino acid with highly similar properties. This amino acid position is conserved. In addition, this alteration is predicted to be tolerated by in silico analysis. Based on the available evidence, the clinical significance of this variant remains unclear.